The following is an entry in ClinVar:

ClinVar aggregate classification (germline): Uncertain significance (1 of 4 stars; one submission).

Conditions:
Spastic paraplegia. Identifiers: MedGen C0037772, HP:0001258.

Submission:

Labcorp Genetics (formerly Invitae), Labcorp
Classification: Uncertain significance for Spastic paraplegia. Last evaluated: 2021-06-14. Review status: criteria provided, single submitter. Criteria: Invitae Variant Classification Sherloc (09022015). Collection method: clinical testing. Allele origin: germline.
Comment: Algorithms developed to predict the effect of missense changes on protein structure and function (SIFT, PolyPhen-2, Align-GVGD) all suggest that this variant is likely to be disruptive, but these predictions have not been confirmed by published functional studies and their clinical significance is uncertain. In summary, the available evidence is currently insufficient to determine the role of this variant in disease. Therefore, it has been classified as a Variant of Uncertain Significance. This variant has not been reported in the literature in individuals with CYP2U1-related disease. This variant is not present in population databases (ExAC no frequency). This sequence change replaces phenylalanine with serine at codon 297 of the CYP2U1 protein (p.Phe297Ser). The phenylalanine residue is highly conserved and there is a large physicochemical difference between phenylalanine and serine.

NM_183075.3(CYP2U1):c.890T>C (p.Phe297Ser)

Gene: CYP2U1 (cytochrome P450 family 2 subfamily U member 1; plus strand). Cytogenetic location: 4q25.
Variant type: single nucleotide variant.
Coding change: c.890T>C on transcript NM_183075.3 (MANE Select); coding-DNA position 890, T replaced by C.
Protein change: p.Phe297Ser; replaces phenylalanine 297 with serine.
Molecular consequence: missense variant.
Genome position (GRCh38, 1-based): chr4:107,945,369, T>C. VCF-style: chr4-107945369-T-C. GRCh37 (hg19) VCF-style: chr4-108866525-T-C.
Other names: short protein forms F297S.
Identifiers: ClinVar variation 654977 (VCV000654977.5), dbSNP rs1578728816, ClinGen allele CA357837439.